The following is an entry in ClinVar:

NM_001271.4(CHD2):c.2973+4A>G

Genes: CHD2 (chromodomain helicase DNA binding protein 2; plus strand), LOC126862230 (P300/CBP strongly-dependent group 1 enhancer GRCh37_chr15:93523977-93525176; plus strand). Cytogenetic location: 15q26.1.
Variant type: single nucleotide variant.
Coding change: c.2973+4A>G on transcript NM_001271.4 (MANE Select); 4 bases into the intron after coding-DNA position 2973, A replaced by G.
Molecular consequence: intron variant.
Genome position (GRCh38, 1-based): chr15:92,980,915, A>G. VCF-style: chr15-92980915-A-G. GRCh37 (hg19) VCF-style: chr15-93524145-A-G.
Identifiers: ClinVar variation 382732 (VCV000382732.20), dbSNP rs202244266, ClinGen allele CA7748102.
Genomic context (GRCh38, chr15:92,980,915, plus strand): 5'-AAATTTGGAGCAGAGGATCTCTTCAAAGAACTGGAAGGGGAGGAATCAGAACCTCAGGTA[A>G]TTAACAATGAGGAGAGGGAAATTTTTTTGAGAAGTATGATCTGTGAGAGTCTAACTTTTC-3'

ClinVar aggregate classification (germline): Benign/Likely benign. Review status: criteria provided, multiple submitters, no conflicts (2 of 4 stars). 4 submissions from 4 submitters: Benign (1); Likely benign (2). 1 of the submissions does not count toward it. Last evaluated 2026-01-13.

Conditions:
CHD2-related disorder. Also called: CHD2-related condition.
Inborn genetic diseases. Identifiers: MedGen C0950123, MeSH D030342.
Developmental and epileptic encephalopathy 94 (DEE94). Also called: CHD2-Related Neurodevelopmental Disorders; Epileptic encephalopathy, childhood-onset. Identifiers: Orphanet 1942, Orphanet 2382, MedGen C3809278, MONDO:0014150, OMIM 615369.

Allele frequency attached by ClinVar (database versions not stated): gnomAD exomes 0.00027 and 0.00010; ExAC 0.00030; 1000 Genomes Project 0.00060; 1000 Genomes Project 30x 0.00062; gnomAD 0.00084 and 0.00093; ESP Exome Variant Server 0.00093; TOPMed 0.00105.
gnomAD v4.1: 276 of 1,603,260 alleles (0.017%); highest among the groups gnomAD compares: African/African-American, 0.34%; no homozygotes.

Submissions (4):

Labcorp Genetics (formerly Invitae), Labcorp
Classification: Likely benign for Developmental and epileptic encephalopathy 94. Last evaluated: 2026-01-13. Review status: criteria provided, single submitter. Criteria: Invitae Variant Classification Sherloc (09022015). Collection method: clinical testing. Allele origin: germline.

GeneDx
Classification: Benign. Last evaluated: 2019-02-08. Review status: criteria provided, single submitter. Criteria: GeneDx Variant Classification Process June 2021. Collection method: clinical testing. Allele origin: germline. Affected: yes.

Ambry Genetics
Classification: Likely benign for Inborn genetic diseases. Last evaluated: 2017-09-18. Review status: criteria provided, single submitter. Criteria: Ambry Variant Classification Scheme 2023. Collection method: clinical testing. Allele origin: germline.

PreventionGenetics, part of Exact Sciences
Classification: Likely benign for CHD2-related condition. Last evaluated: 2020-01-15. Review status: no assertion criteria provided. Collection method: clinical testing. Allele origin: germline. Not counted in ClinVar's aggregate classification.
Comment: This variant is classified as likely benign based on ACMG/AMP sequence variant interpretation guidelines (Richards et al. 2015 PMID: 25741868, with internal and published modifications).